The following is an entry in ClinVar:

NM_153485.3(NUP155):c.1204G>A (p.Val402Met)

Gene: NUP155 (nucleoporin 155; minus strand). Cytogenetic location: 5p13.2.
Variant type: single nucleotide variant.
Coding change: c.1204G>A on transcript NM_153485.3 (MANE Select); coding-DNA position 1204, G replaced by A.
Protein change: p.Val402Met; replaces valine 402 with methionine.
Molecular consequence: missense variant.
Genome position (GRCh38, 1-based): chr5:37,341,132, C>T on the plus strand (G>A on the coding strand, the complement: NUP155 is on the minus strand). VCF-style: chr5-37341132-C-T. GRCh37 (hg19) VCF-style: chr5-37341234-C-T.
Other names: c.1204G>A (NM_153485.2); c.1204G>A, p.Val402Met (NM_001278312.2); c.1027G>A, p.Val343Met (NM_004298.4); short protein forms V343M, V402M.
Identifiers: ClinVar variation 870608 (VCV000870608.5), dbSNP rs148814027, ClinGen allele CA3240121.

ClinVar aggregate classification (germline): Conflicting classifications of pathogenicity. Review status: criteria provided, conflicting classifications (1 of 4 stars). 2 submissions from 2 submitters: Uncertain significance (1); Likely benign (1). Last evaluated 2025-03-02.

Conditions:
Atrial fibrillation, familial, 15 (ATFB15). Also called: Atrial fibrillation 15. Identifiers: MedGen C4014269, MONDO:0014340, OMIM 615770.
NUP155-related disorder. Also called: NUP155-related condition.

Allele frequency attached by ClinVar (database versions not stated): ESP Exome Variant Server 0.00031; TOPMed 0.00036; 1000 Genomes Project 0.00040; gnomAD 0.00044 and 0.00052; gnomAD exomes 0.00046 and 0.00072; 1000 Genomes Project 30x 0.00047; ExAC 0.00081.
gnomAD v4.1: 761 of 1,613,798 alleles (0.047%); highest among the groups gnomAD compares: South Asian, 0.28%; 4 homozygotes.

Submissions (2):

PreventionGenetics, part of Exact Sciences
Classification: Likely benign for NUP155-related condition. Last evaluated: 2025-03-02. Review status: criteria provided, single submitter. Criteria: ACMG Guidelines, 2015. Collection method: clinical testing. Allele origin: germline.
Comment: This variant is classified as likely benign based on ACMG/AMP sequence variant interpretation guidelines (Richards et al. 2015 PMID: 25741868, with internal and published modifications).

Diagnostics Services (NGS), CSIR - Centre For Cellular And Molecular Biology
Classification: Uncertain significance for Atrial fibrillation, familial, 15. Last evaluated: 2020-04-11. Review status: criteria provided, single submitter. Criteria: ACMG Guidelines, 2015. Collection method: clinical testing. Allele origin: unknown. Affected: no. Observed: 1 heterozygote.
Comment: The c.1027G>A variant is present in publicly available databases like 1000 Genomes, Exome Variant Server (EVS), Exome Aggregation Consortium (ExAC), Genome Aggregation Database (gnomAD) and dbSNP at a very low frequency, only in heterozygous state. The variant is also present in our in-house exome database, only in heterozygous state (MAF~0.004). The variant was not reported to OMIM, Human Genome Mutation Database (HGMD) or ClinVar databases in any affected individuals. In-silico pathogenicity prediction programs like PolyPhen-3, MutationTaster2, CADD etc. predicted this variant to be likely deleterious. However there are no documented functional studies to prove this. Due to lack of enough evidence the variant has been classified as uncertain significance.